The following is an entry in ClinVar:

ClinVar aggregate classification (germline): Conflicting classifications of pathogenicity. Review status: criteria provided, conflicting classifications (1 of 4 stars). 7 submissions from 7 submitters: Uncertain significance (1); Benign (1); Likely benign (4). 1 of the submissions does not count toward it. Last evaluated 2026-09-01.

Conditions:
Hepatoencephalopathy due to combined oxidative phosphorylation defect type 1. Also called: HEPATOENCEPHALOPATHY, EARLY FATAL PROGRESSIVE. Identifiers: Orphanet 137681, MedGen C1836797, MONDO:0012191, OMIM 609060.

Allele frequency attached by ClinVar (database versions not stated): ESP Exome Variant Server 0.00023; gnomAD 0.00036 and 0.00046; TOPMed 0.00043; gnomAD exomes 0.00054 and 0.00079; 1000 Genomes Project 30x 0.00078; 1000 Genomes Project 0.00080; ExAC 0.00089.
gnomAD v4.1: 888 of 1,612,738 alleles (0.055%); highest among the groups gnomAD compares: Middle Eastern, 0.53%; 5 homozygotes.

Submissions (7):

CeGaT Center for Human Genetics Tuebingen
Classification: Likely benign. Last evaluated: 2026-09-01. Review status: criteria provided, single submitter. Criteria: CeGaT Center For Human Genetics Tuebingen Variant Classification Criteria Version 2. Collection method: clinical testing. Allele origin: germline. Affected: yes. Observed: 4 variant alleles.
Comment: GFM1: BP4, BP7

Labcorp Genetics (formerly Invitae), Labcorp
Classification: Benign. Last evaluated: 2026-01-27. Review status: criteria provided, single submitter. Criteria: Invitae Variant Classification Sherloc (09022015). Collection method: clinical testing. Allele origin: germline.

Blueprint Genetics
Classification: Likely benign. Last evaluated: 2024-11-26. Review status: criteria provided, single submitter. Criteria: ACMG Guidelines, 2015. Collection method: clinical testing. Allele origin: germline.

Genome-Nilou Lab
Classification: Likely benign for Hepatoencephalopathy due to combined oxidative phosphorylation defect type 1. Last evaluated: 2021-05-18. Review status: criteria provided, single submitter. Criteria: ACMG Guidelines, 2015. Collection method: clinical testing. Allele origin: germline. Affected: no.

GeneDx
Classification: Likely benign. Last evaluated: 2018-02-16. Review status: criteria provided, single submitter. Criteria: GeneDx Variant Classification (06012015). Collection method: clinical testing. Allele origin: germline. Affected: yes.
Comment: This variant is considered likely benign or benign based on one or more of the following criteria: it is a conservative change, it occurs at a poorly conserved position in the protein, it is predicted to be benign by multiple in silico algorithms, and/or has population frequency not consistent with disease.

Illumina Laboratory Services, Illumina
Classification: Uncertain significance for Hepatoencephalopathy due to combined oxidative phosphorylation defect type 1. Last evaluated: 2018-01-13. Review status: criteria provided, single submitter. Criteria: ICSL Variant Classification Criteria 13 December 2019. Collection method: clinical testing. Allele origin: germline.

Natera, Inc.
Classification: Likely benign for Combined oxidative phosphorylation deficiency 1. Last evaluated: 2020-04-23. Review status: no assertion criteria provided. Collection method: clinical testing. Allele origin: germline. Not counted in ClinVar's aggregate classification.

NM_024996.7(GFM1):c.1032C>T (p.Asn344=)

Gene: GFM1 (G elongation factor mitochondrial 1; plus strand). Cytogenetic location: 3q25.32.
Variant type: single nucleotide variant.
Coding change: c.1032C>T on transcript NM_024996.7 (MANE Select); coding-DNA position 1032, C replaced by T.
Protein change: p.Asn344=; no amino-acid change (asparagine 344 retained).
Molecular consequence: synonymous variant. On other transcripts: non-coding transcript variant (3).
Genome position (GRCh38, 1-based): chr3:158,654,580, C>T. VCF-style: chr3-158654580-C-T. GRCh37 (hg19) VCF-style: chr3-158372369-C-T.
Other names: c.1089C>T, p.Asn363= (NM_001308164.2, NM_001374355.1); c.1032C>T, p.Asn344= (NM_001308166.2); c.915C>T, p.Asn305= (NM_001374356.1); c.807C>T, p.Asn269= (NM_001374357.1); c.573C>T, p.Asn191= (NM_001374358.1); c.465C>T, p.Asn155= (NM_001374359.1, NM_001374360.1); c.348C>T, p.Asn116= (NM_001374361.1).
Identifiers: ClinVar variation 343929 (VCV000343929.55), dbSNP rs373952002, ClinGen allele CA2682491.